The following is an entry in ClinVar:

NM_007294.4(BRCA1):c.212+23T>A

Gene: BRCA1 (BRCA1 DNA repair associated; minus strand). Cytogenetic location: 17q21.31.
Variant type: single nucleotide variant.
Coding change: c.212+23T>A on transcript NM_007294.4 (MANE Select); 23 bases into the intron after coding-DNA position 212, T replaced by A.
Molecular consequence: intron variant.
Genome position (GRCh38, 1-based): chr17:43,106,433, A>T on the plus strand (T>A on the coding strand, the complement: BRCA1 is on the minus strand). VCF-style: chr17-43106433-A-T. GRCh37 (hg19) VCF-style: chr17-41258450-A-T.
Other names: IVS 5+23T>A; c.212+23T>A (NM_007300.3, NM_001407686.1, NM_001408397.1 and 168 more transcripts); c.71+23T>A (NM_001408458.1, NM_001407931.1, NM_001407747.1 and 99 more transcripts); c.-218-11573T>A (NM_001407967.1, NM_001407966.1); c.-169-1477T>A (NM_001407959.1, NM_001407962.1, NM_001408512.1 and 4 more transcripts); c.2+45T>A (NM_001407885.1, NM_001407886.1, NM_001407898.1 and 58 more transcripts); c.81-1477T>A (NM_001408451.1); c.135-1477T>A (NM_001408475.1, NM_001407875.1, NM_001407659.1 and 21 more transcripts).
Identifiers: ClinVar variation 188404 (VCV000188404.45), dbSNP rs8176128, ClinGen allele CA001410.

ClinVar aggregate classification (germline): Benign. Review status: reviewed by expert panel (3 of 4 stars). 13 submissions from 12 submitters: Benign (1). 12 of the submissions do not count toward it. Last evaluated 2015-01-12.

Conditions:
Hereditary breast ovarian cancer syndrome. Also called: Hereditary breast and ovarian cancer syndrome; Hereditary breast and ovarian cancer syndrome (HBOC); BRCA1- and BRCA2-Associated Hereditary Breast and Ovarian Cancer; Breast and ovarian cancer; Hereditary breast and ovarian cancer; Hereditary breast and/or ovarian cancer syndrome. Identifiers: Orphanet 145, MedGen C0677776, MeSH D061325, MONDO:0003582. Disease mechanism: loss of function.
Hereditary cancer-predisposing syndrome. Also called: Hereditary Cancer Syndrome; Hereditary neoplastic syndrome; Tumor predisposition; Neoplastic Syndromes, Hereditary. Identifiers: Orphanet 140162, MedGen C0027672, MeSH D009386, MONDO:0015356.
Breast-ovarian cancer, familial, susceptibility to, 1 (BROVCA1). Also called: OVARIAN CANCER, SUSCEPTIBILITY TO; BRCA1 Hereditary Breast and Ovarian Cancer. Identifiers: Orphanet 145, MedGen C2676676, MONDO:0011450, OMIM 604370. Disease mechanism: loss of function.

Allele frequency attached by ClinVar (database versions not stated): gnomAD exomes 0.00094 and 0.00252; ExAC 0.00349; gnomAD 0.00949 and 0.01018; 1000 Genomes Project 0.01058; ESP Exome Variant Server 0.01063; TOPMed 0.01108; 1000 Genomes Project 30x 0.01171.
gnomAD v4.1: 2,754 of 1,481,922 alleles (0.19%); highest among the groups gnomAD compares: African/African-American, 3.3%; 35 homozygotes.

Submissions (13):

Evidence-based Network for the Interpretation of Germline Mutant Alleles (ENIGMA)
Classification: Benign for Breast-ovarian cancer, familial 1. Last evaluated: 2015-01-12. Review status: reviewed by expert panel. Criteria: ENIGMA BRCA1/2 Classification Criteria (2015). Collection method: curation. Allele origin: germline.
Comment: Class 1 not pathogenic based on frequency >1% in an outbred sampleset. Frequency 0.06301 (African), derived from 1000 genomes (2012-04-30).

Center for Genomic Medicine, Rigshospitalet, Copenhagen University Hospital
Classification: Benign. Last evaluated: 2025-03-04. Review status: criteria provided, single submitter. Criteria: ACMG Guidelines, 2015. Collection method: clinical testing. Allele origin: germline. Not counted in ClinVar's aggregate classification.

KCCC/NGS Laboratory, Kuwait Cancer Control Center
Classification: Benign for Breast-ovarian cancer, familial, susceptibility to, 1. Last evaluated: 2023-07-07. Review status: criteria provided, single submitter. Criteria: ACMG Guidelines, 2015. Collection method: clinical testing. Allele origin: germline. Affected: yes. Not counted in ClinVar's aggregate classification.

National Health Laboratory Service, Universitas Academic Hospital and University of the Free State
Classification: Benign for Hereditary breast ovarian cancer syndrome. Last evaluated: 2022-04-19. Review status: criteria provided, single submitter. Criteria: ACMG Guidelines, 2015. Collection method: clinical testing. Allele origin: germline. Affected: yes. Observed: 28 variant alleles. Not counted in ClinVar's aggregate classification.

ARUP Laboratories, Molecular Genetics and Genomics, ARUP Laboratories
Classification: Benign. Last evaluated: 2019-10-15. Review status: criteria provided, single submitter. Criteria: ARUP Molecular Germline Variant Investigation Process. Collection method: clinical testing. Allele origin: germline. Not counted in ClinVar's aggregate classification.

Institute for Biomarker Research, Medical Diagnostic Laboratories, L.L.C.
Classification: Likely benign for Hereditary cancer-predisposing syndrome. Last evaluated: 2018-05-23. Review status: criteria provided, single submitter. Criteria: ACMG Guidelines, 2015. Collection method: clinical testing. Allele origin: germline. Not counted in ClinVar's aggregate classification.

Institute for Biomarker Research, Medical Diagnostic Laboratories, L.L.C.
Classification: Likely benign for Hereditary breast and ovarian cancer syndrome(HBOC). Last evaluated: 2017-02-14. Review status: criteria provided, single submitter. Criteria: ACMG Guidelines, 2015. Collection method: clinical testing. Allele origin: germline. Not counted in ClinVar's aggregate classification.

GeneDx
Classification: Benign. Last evaluated: 2015-03-03. Review status: criteria provided, single submitter. Criteria: GeneDx Variant Classification Process June 2021. Collection method: clinical testing. Allele origin: germline. Affected: yes. Not counted in ClinVar's aggregate classification.

Molecular Genetics Laboratory, University of Michigan
Classification: Benign for Breast-ovarian cancer, familial, susceptibility to, 1. Last evaluated: 2014-11-03. Review status: criteria provided, single submitter. Criteria: ACMG Guidelines, 2015. Collection method: clinical testing. Allele origin: germline. Affected: yes. Not counted in ClinVar's aggregate classification.

Breakthrough Genomics
Classification: Benign. Review status: criteria provided, single submitter. Criteria: ACMG Guidelines, 2015. Collection method: not provided. Allele origin: germline. Inheritance: Autosomal recessive inheritance. Affected: yes. Not counted in ClinVar's aggregate classification.

Clinical Genetics DNA and cytogenetics Diagnostics Lab, Erasmus MC, Erasmus Medical Center
Classification: Benign. Review status: no assertion criteria provided. Collection method: clinical testing. Allele origin: germline. Affected: yes. Study: VKGL Data-share Consensus. Not counted in ClinVar's aggregate classification.

Clinical Genetics Laboratory, Department of Pathology, Netherlands Cancer Institute
Classification: Benign. Review status: no assertion criteria provided. Collection method: clinical testing. Allele origin: germline. Affected: yes. Study: VKGL Data-share Consensus. Not counted in ClinVar's aggregate classification.

Joint Genome Diagnostic Labs from Nijmegen and Maastricht, Radboudumc and MUMC+
Classification: Likely benign. Review status: no assertion criteria provided. Collection method: clinical testing. Allele origin: germline. Affected: yes. Study: VKGL Data-share Consensus. Not counted in ClinVar's aggregate classification.

Literature cited by the submitters: DOI 10.3389/fgene.2022.834265 (cited by National Health Laboratory Service, Universitas Academic Hospital and University of the Free State).